The following is an entry in ClinVar:

NM_001367823.1(ARHGEF18):c.2452+6_2452+11del

Gene: ARHGEF18 (Rho/Rac guanine nucleotide exchange factor 18; plus strand). Cytogenetic location: 19p13.2.
Variant type: Deletion.
Coding change: c.2452+6_2452+11del on transcript NM_001367823.1 (MANE Select); bases 6 to 11 of the intron after coding-DNA position 2452, 6 bases deleted (CGGGAG; older notation c.2452+6_2452+11delCGGGAG).
Molecular consequence: intron variant.
Genome position (GRCh38, 1-based): chr19:7,460,000-7,460,005, CGGGAG deleted; deleting any 6 consecutive bases within chr19:7,459,997-7,460,005 gives the same sequence; the c. name uses the placement nearest the transcript's 3' end. VCF-style (leftmost placement, unchanged base first): chr19-7459996-TGAGCGG-T. GRCh37 (hg19) VCF-style: chr19-7524882-TGAGCGG-T.
Other names: c.1414+6_1414+11del (NM_001367824.1, NM_015318.4); c.1726+6_1726+11del (NM_001130955.2).
Identifiers: ClinVar variation 1919211 (VCV001919211.5), dbSNP rs964109079, ClinGen allele CA304895359.

ClinVar aggregate classification (germline): Uncertain significance (1 of 4 stars; one submission).

Submission:

Labcorp Genetics (formerly Invitae), Labcorp
Classification: Uncertain significance. Last evaluated: 2022-09-27. Review status: criteria provided, single submitter. Criteria: Invitae Variant Classification Sherloc (09022015). Collection method: clinical testing. Allele origin: germline.
Comment: In summary, the available evidence is currently insufficient to determine the role of this variant in disease. Therefore, it has been classified as a Variant of Uncertain Significance. Variants that disrupt the consensus splice site are a relatively common cause of aberrant splicing (PMID: 17576681, 9536098). Algorithms developed to predict the effect of sequence changes on RNA splicing suggest that this variant is not likely to affect RNA splicing. This variant has not been reported in the literature in individuals affected with ARHGEF18-related conditions. This variant is not present in population databases (gnomAD no frequency). This sequence change falls in intron 10 of the ARHGEF18 gene. It does not directly change the encoded amino acid sequence of the ARHGEF18 protein. It affects a nucleotide within the consensus splice site.

Literature cited by the submitters: PubMed 17576681; PubMed 9536098.